The following is an entry in ClinVar:

NM_170601.5(SIAE):c.1112C>T (p.Ser371Leu)

Gene: SIAE (sialic acid acetylesterase; minus strand). Cytogenetic location: 11q24.2.
Variant type: single nucleotide variant.
Coding change: c.1112C>T on transcript NM_170601.5 (MANE Select); coding-DNA position 1112, C replaced by T.
Protein change: p.Ser371Leu; replaces serine 371 with leucine.
Molecular consequence: missense variant.
Genome position (GRCh38, 1-based): chr11:124,639,722, G>A on the plus strand (C>T on the coding strand, the complement: SIAE is on the minus strand). VCF-style: chr11-124639722-G-A. GRCh37 (hg19) VCF-style: chr11-124509618-G-A.
Other names: c.1007C>T, p.Ser336Leu (NM_001199922.2); short protein forms S336L, S371L.
Identifiers: ClinVar variation 1903036 (VCV001903036.5), dbSNP rs773707778, ClinGen allele CA6341297.

ClinVar aggregate classification (germline): Uncertain significance (1 of 4 stars; one submission).

Allele frequency attached by ClinVar (database versions not stated): gnomAD 0.00001; ExAC 0.00002; TOPMed 0.00002.
gnomAD v4.1: 29 of 1,613,926 alleles (0.0018%); highest among the groups gnomAD compares: East Asian, 0.0089%; no homozygotes.

Submission:

Labcorp Genetics (formerly Invitae), Labcorp
Classification: Uncertain significance. Last evaluated: 2025-12-10. Review status: criteria provided, single submitter. Criteria: Invitae Variant Classification Sherloc (09022015). Collection method: clinical testing. Allele origin: germline.
Comment: This sequence change replaces serine, which is neutral and polar, with leucine, which is neutral and non-polar, at codon 371 of the SIAE protein (p.Ser371Leu). This variant is present in population databases (rs773707778, gnomAD 0.006%). This variant has not been reported in the literature in individuals affected with SIAE-related conditions. ClinVar contains an entry for this variant (Variation ID: 1903036). An algorithm developed to predict the effect of missense changes on protein structure and function (PolyPhen-2) suggests that this variant is likely to be disruptive. In summary, the available evidence is currently insufficient to determine the role of this variant in disease. Therefore, it has been classified as a Variant of Uncertain Significance.